The following is an entry in ClinVar:

ClinVar aggregate classification (germline): Likely benign. Review status: criteria provided, multiple submitters, no conflicts (2 of 4 stars). 2 submissions from 2 submitters: Likely benign (2). Last evaluated 2024-09-14.

Conditions:
Nephronophthisis 9 (NPHP9). Identifiers: Orphanet 655, MedGen C3151188, MONDO:0013444, OMIM 613824.

Allele frequency attached by ClinVar (database versions not stated): gnomAD 0.00001; ExAC 0.00002; gnomAD exomes 0.00002; TOPMed 0.00002.
gnomAD v4.1: 37 of 1,614,056 alleles (0.0023%); highest among the groups gnomAD compares: Non-Finnish European, 0.003%; no homozygotes.

Submissions (2):

Labcorp Genetics (formerly Invitae), Labcorp
Classification: Likely benign for Nephronophthisis 9. Last evaluated: 2024-09-14. Review status: criteria provided, single submitter. Criteria: Invitae Variant Classification Sherloc (09022015). Collection method: clinical testing. Allele origin: germline.

CeGaT Center for Human Genetics Tuebingen
Classification: Likely benign. Last evaluated: 2022-12-01. Review status: criteria provided, single submitter. Criteria: CeGaT Center For Human Genetics Tuebingen Variant Classification Criteria Version 2. Collection method: clinical testing. Allele origin: germline. Affected: yes. Observed: 1 variant allele.
Comment: NEK8: BP4, BP7

NM_178170.3(NEK8):c.1777T>C (p.Leu593=)

Gene: NEK8 (NIMA related kinase 8; plus strand). Cytogenetic location: 17q11.2.
Variant type: single nucleotide variant.
Coding change: c.1777T>C on transcript NM_178170.3 (MANE Select); coding-DNA position 1777, T replaced by C.
Protein change: p.Leu593=; no amino-acid change (leucine 593 retained).
Molecular consequence: synonymous variant.
Genome position (GRCh38, 1-based): chr17:28,741,122, T>C. VCF-style: chr17-28741122-T-C. GRCh37 (hg19) VCF-style: chr17-27068140-T-C.
Identifiers: ClinVar variation 2647602 (VCV002647602.26), dbSNP rs748621074, ClinGen allele CA8467539.